The following is an entry in ClinVar:

ClinVar aggregate classification (germline): Pathogenic. Review status: reviewed by expert panel (3 of 4 stars). 30 submissions from 30 submitters: Pathogenic (1). 29 of the submissions do not count toward it. Last evaluated 2016-04-22.

Conditions:
BRCA1-related cancer predisposition. Identifiers: MedGen CN377757, MONDO:0700268.
Hereditary cancer-predisposing syndrome. Also called: Neoplastic Syndromes, Hereditary; Tumor predisposition; Hereditary Cancer Syndrome; Hereditary neoplastic syndrome. Identifiers: Orphanet 140162, MedGen C0027672, MeSH D009386, MONDO:0015356.
Breast and/or ovarian cancer. Identifiers: MedGen CN221562.
Hereditary breast ovarian cancer syndrome. Also called: Hereditary breast and/or ovarian cancer syndrome; Hereditary breast and ovarian cancer syndrome; Hereditary breast and ovarian cancer; Hereditary breast and ovarian cancer syndrome (HBOC); Breast and ovarian cancer; BRCA1- and BRCA2-Associated Hereditary Breast and Ovarian Cancer. Identifiers: Orphanet 145, MedGen C0677776, MeSH D061325, MONDO:0003582. Disease mechanism: loss of function.
Breast-ovarian cancer, familial, susceptibility to, 1 (BROVCA1). Also called: OVARIAN CANCER, SUSCEPTIBILITY TO; BRCA1 Hereditary Breast and Ovarian Cancer. Identifiers: Orphanet 145, MedGen C2676676, MONDO:0011450, OMIM 604370. Disease mechanism: loss of function.
Malignant tumor of breast. Also called: Malignant breast neoplasm; Cancer breast. Identifiers: MedGen C0006142, MONDO:0007254. Disease mechanism: loss of function.
Familial cancer of breast. Also called: Hereditary breast cancer; BREAST CANCER, FAMILIAL; hereditary breast carcinoma. Identifiers: Orphanet 227535, MedGen C0346153, MONDO:0016419, OMIM 114480. Disease mechanism: loss of function.

Allele frequency attached by ClinVar (database versions not stated): gnomAD exomes below 0.00001.
gnomAD v4.1: 2 of 1,608,596 alleles (0.00012%); highest among the groups gnomAD compares: South Asian, 0.0011%; no homozygotes.

Submissions 1 to 8 of 30:

Evidence-based Network for the Interpretation of Germline Mutant Alleles (ENIGMA)
Classification: Pathogenic for Breast-ovarian cancer, familial, susceptibility to, 1. Last evaluated: 2016-04-22. Review status: reviewed by expert panel. Criteria: ENIGMA BRCA1/2 Classification Criteria (2015). Collection method: curation. Allele origin: germline.
Comment: Variant allele predicted to encode a truncated non-functional protein.

CeGaT Center for Human Genetics Tuebingen
Classification: Pathogenic. Last evaluated: 2026-07-01. Review status: criteria provided, single submitter. Criteria: CeGaT Center For Human Genetics Tuebingen Variant Classification Criteria Version 2. Collection method: clinical testing. Allele origin: germline. Affected: yes. Observed: 4 variant alleles. Not counted in ClinVar's aggregate classification.
Comment: BRCA1: PVS1, PM2, PS4:Moderate, PP1

Labcorp Genetics (formerly Invitae), Labcorp
Classification: Pathogenic for Hereditary breast ovarian cancer syndrome. Last evaluated: 2025-12-01. Review status: criteria provided, single submitter. Criteria: Invitae Variant Classification Sherloc (09022015). Collection method: clinical testing. Allele origin: germline. Not counted in ClinVar's aggregate classification.
Comment: This sequence change creates a premature translational stop signal (p.Gln1395*) in the BRCA1 gene. It is expected to result in an absent or disrupted protein product. Loss-of-function variants in BRCA1 are known to be pathogenic (PMID: 20104584). This variant is present in population databases (rs80357260, gnomAD 0.0009%). This premature translational stop signal has been observed in individual(s) with breast cancer, ovarian cancer and peritoneal carcinoma (PMID: 8531967, 22006311, 24504028, 26681312, 27553291). This variant is also known as 4302C>T. ClinVar contains an entry for this variant (Variation ID: 55125). RNA analysis performed to evaluate the impact of this premature translational stop signal on mRNA splicing indicates it does not significantly alter splicing (internal data). For these reasons, this variant has been classified as Pathogenic.

Ambry Genetics
Classification: Pathogenic for Hereditary cancer-predisposing syndrome. Last evaluated: 2025-09-15. Review status: criteria provided, single submitter. Criteria: Ambry Variant Classification Scheme 2023. Collection method: clinical testing. Allele origin: germline. Not counted in ClinVar's aggregate classification.
Comment: The p.Q1395* pathogenic mutation (also known as c.4183C>T), located in coding exon 10 of the BRCA1 gene, results from a C to T substitution at nucleotide position 4183. This changes the amino acid from a glutamine to a stop codon within coding exon 10. This mutation has been extensively reported in the literature in individuals with a personal and/or family history of breast and/or ovarian and/or peritoneal cancer and/or colon cancer and associated with somatic loss of heterozygosity (Langston AA et al. N Engl J Med. 1996 Jan 18;334(3):137-42; Walsh T et al. Proc Natl Acad Sci. U S A. 2011 Nov 1;108(44):18032-7; Cunningham JM et al. Sci Rep. 2014 Feb;4:4026; Rashid MU et al. BMC Cancer. 2016 08;16:673; Alemar B et al. Cancer Genet. 2016 09;209(9):417-422; Alemar B et al. PLoS ONE. 2017 Nov;12(11):e0187630; Palermo E et al. Sci Rep. 2018 Jun;8(1):9188; Singh J et al. Breast Cancer Res. Treat. 2018 Jul;170(1):189-196; Soyano AE et al. Clin Colorectal Cancer. 2018 12;17(4):e647-e650), as well as in a large, worldwide study of BRCA1/2 mutation positive families (Rebbeck TR Hum. Mutat. 2018 05;39(5):593-620). This alteration has also been shown to be highly prevalent in the Tyrolean population of Austria (P&ouml;lsler L et al. Eur. J. Hum. Genet. 2016 Feb;24:258-62). In addition to the clinical data presented in the literature, this alteration is expected to result in loss of function by premature protein truncation or nonsense-mediated mRNA decay. As such, this alteration is interpreted as a disease-causing mutation.

Institute of Immunology and Genetics Kaiserslautern
Classification: Pathogenic for Breast-ovarian cancer, familial, susceptibility to, 1. Last evaluated: 2025-07-31. Review status: criteria provided, single submitter. Criteria: ACMG Guidelines, 2015. Collection method: clinical testing. Allele origin: germline. Affected: yes. Not counted in ClinVar's aggregate classification.
Comment: ACMG Criteria: PVS1, PS4, PM2, PP5_M.

Institute of Human Genetics, University of Leipzig Medical Center
Classification: Pathogenic for Breast-ovarian cancer, familial, susceptibility to, 1. Last evaluated: 2025-03-07. Review status: criteria provided, single submitter. Criteria: ACMG Guidelines, 2015. Collection method: clinical testing. Allele origin: paternal. Inheritance: Autosomal dominant inheritance. Affected: yes. Not counted in ClinVar's aggregate classification.
Comment: Criteria applied: PVS1,PM5_STR,PM2_SUP

Color Diagnostics, LLC DBA Color Health
Classification: Pathogenic for Hereditary cancer-predisposing syndrome. Last evaluated: 2024-11-18. Review status: criteria provided, single submitter. Criteria: ACMG Guidelines, 2015. Collection method: clinical testing. Allele origin: germline. Not counted in ClinVar's aggregate classification.
Comment: This variant changes 1 nucleotide in exon 11 of the BRCA1 gene, creating a premature translation stop signal in the BRCA1 protein. This variant is expected to result in an absent or non-functional protein product. This variant has been observed in multiple individuals affected with breast and ovarian cancer (PMID: 8531967, 16760289, 16847550, 22711857, 24728189, 26014432, 26681312, 27553291, 29470806, 30322717, 31090900) and is reported to be a founder mutation in the Tyrolean population in Austria (PMID: 26014432). A multifactorial analysis also has reported a likelihood ratio for pathogenicity based on personal and family history of 2447.175 from log(LR)=3.388664961 for six carriers (PMID: 31853058). This variant has been identified in 1/242836 chromosomes in the general population by the Genome Aggregation Database (gnomAD). Loss of BRCA1 function is a known mechanism of disease. Based on the available evidence, this variant is classified as Pathogenic.

All of Us Research Program, National Institutes of Health
Classification: Pathogenic for BRCA1-related cancer predisposition. Last evaluated: 2024-09-27. Review status: criteria provided, single submitter. Criteria: ACMG Guidelines, 2015. Collection method: clinical testing. Allele origin: germline. Inheritance: Autosomal dominant inheritance. Observed: 1 variant allele, 1 heterozygote. Not counted in ClinVar's aggregate classification.
Comment: The c.4183C>T (p.Gln1395*) variant in the BRCA1 gene is located in exon 11, and is predicted to create a premature termination codon resulting in an absent or disrupted protein product. This variant has been reported in multiple individuals with breast, ovarian and peritoneal carcinoma (PMID: 8531967, 16847550, 16998791, 22006311, 24504028, 24728189, 26014432, 26681312, 27425403, 27553291, 29161300, 29446198, 29470806, 29907814, 30322717, 31090900). This variant has been reported to be a founder mutation in the Tyrolean population (PMID: 26014432). Truncating variants in BRCA1 gene are known to be pathogenic (PMID: 21989022, 17661172, 22762150). This variant is rare (1/242836 chromosomes) in the general population by the Genome Aggregation Database. This variant has been classified as pathogenic by multiple submitters in ClinVar including the expert panel. Therefore the c.4183C>T (p.Gln1395*) variant of the BRCA1 gene is classified as pathogenic.

This study involves interpretation of variants in research participants for the purpose of population health screening. Participant phenotype was not available at the time of variant classification. Additional details can be found in publication PMID: 35346344, PMCID: PMC8962531

NM_007294.4(BRCA1):c.4183C>T (p.Gln1395Ter)

Gene: BRCA1 (BRCA1 DNA repair associated; minus strand). Cytogenetic location: 17q21.31.
Variant type: single nucleotide variant.
Coding change: c.4183C>T on transcript NM_007294.4 (MANE Select); coding-DNA position 4183, C replaced by T.
Protein change: p.Gln1395Ter; replaces glutamine 1395 with a stop codon.
Molecular consequence: nonsense. On other transcripts: non-coding transcript variant (1).
Genome position (GRCh38, 1-based): chr17:43,090,946, G>A on the plus strand (C>T on the coding strand, the complement: BRCA1 is on the minus strand). VCF-style: chr17-43090946-G-A. GRCh37 (hg19) VCF-style: chr17-41242963-G-A.
Other names: p.Q1395*:CAG>TAG; p.Gln1395Ter; 4302C>T; c.493C>T, p.Gln165Ter (NM_001408510.1); c.490C>T, p.Gln164Ter (NM_001408511.1); c.370C>T, p.Gln124Ter (NM_001408512.1); c.664C>T, p.Gln222Ter (NM_001408513.1, NM_001408514.1, NM_001408478.1 and 9 more transcripts); c.4042C>T, p.Gln1348Ter (NM_007297.4, NM_001407696.1, NM_001407697.1 and 29 more transcripts); and 44 more; short protein forms Q1395*, Q292*, Q1348*, Q1099*, Q1284*, Q1328*, Q165*, Q181*.
Identifiers: ClinVar variation 55125 (VCV000055125.80), dbSNP rs80357260, ClinGen allele CA002677.